The following is an entry in ClinVar:

ClinVar aggregate classification (germline): Uncertain significance. Review status: criteria provided, single submitter (1 of 4 stars). 2 submissions from 2 submitters: Uncertain significance (1). 1 of the submissions does not count toward it. Last evaluated 2022-07-30.

Conditions:
CACNA1S-related disorder. Also called: CACNA1S-related condition.
Malignant hyperthermia, susceptibility to, 5 (MHS5). Also called: CACNA1S-Related Malignant Hyperthermia Susceptibility. Identifiers: Orphanet 423, MedGen C1866077, MONDO:0011163, OMIM 601887.
Hypokalemic periodic paralysis, type 1. Also called: HypoPP; Hypokalemic Periodic Paralysis Type 1 (AD). Identifiers: Orphanet 681, MedGen C3714580, MONDO:0042979, OMIM 170400.

Allele frequency attached by ClinVar (database versions not stated): gnomAD 0.00001; ExAC 0.00002; gnomAD exomes 0.00002; TOPMed 0.00002.
gnomAD v4.1: 24 of 1,610,836 alleles (0.0015%); highest among the groups gnomAD compares: East Asian, 0.011%; no homozygotes.

Submissions (2):

Labcorp Genetics (formerly Invitae), Labcorp
Classification: Uncertain significance for Hypokalemic periodic paralysis, type 1; Malignant hyperthermia, susceptibility to, 5. Last evaluated: 2022-07-30. Review status: criteria provided, single submitter. Criteria: Invitae Variant Classification Sherloc (09022015). Collection method: clinical testing. Allele origin: germline.
Comment: In summary, the available evidence is currently insufficient to determine the role of this variant in disease. Therefore, it has been classified as a Variant of Uncertain Significance. Variants that disrupt the consensus splice site are a relatively common cause of aberrant splicing (PMID: 17576681, 9536098). Algorithms developed to predict the effect of sequence changes on RNA splicing suggest that this variant is not likely to affect RNA splicing. ClinVar contains an entry for this variant (Variation ID: 1383388). This variant has not been reported in the literature in individuals affected with CACNA1S-related conditions. This variant is present in population databases (rs763936268, gnomAD 0.01%). This sequence change falls in intron 32 of the CACNA1S gene. It does not directly change the encoded amino acid sequence of the CACNA1S protein. It affects a nucleotide within the consensus splice site.

PreventionGenetics, part of Exact Sciences
Classification: Likely benign for CACNA1S-related condition. Last evaluated: 2023-02-02. Review status: no assertion criteria provided. Collection method: clinical testing. Allele origin: germline. Not counted in ClinVar's aggregate classification.
Comment: This variant is classified as likely benign based on ACMG/AMP sequence variant interpretation guidelines (Richards et al. 2015 PMID: 25741868, with internal and published modifications).

Literature cited by the submitters: PubMed 17576681 (cited by Labcorp Genetics (formerly Invitae), Labcorp); PubMed 9536098 (cited by Labcorp Genetics (formerly Invitae), Labcorp).

NM_000069.3(CACNA1S):c.3953+4C>T

Gene: CACNA1S (calcium voltage-gated channel subunit alpha1 S; minus strand). Cytogenetic location: 1q32.1.
Variant type: single nucleotide variant.
Coding change: c.3953+4C>T on transcript NM_000069.3 (MANE Select); 4 bases into the intron after coding-DNA position 3953, C replaced by T.
Molecular consequence: intron variant.
Genome position (GRCh38, 1-based): chr1:201,052,553, G>A on the plus strand (C>T on the coding strand, the complement: CACNA1S is on the minus strand). VCF-style: chr1-201052553-G-A. GRCh37 (hg19) VCF-style: chr1-201021681-G-A.
Other names: c.3953+4C>T (NM_000069.2).
Identifiers: ClinVar variation 1383388 (VCV001383388.6), dbSNP rs763936268, ClinGen allele CA082981.